The following is an entry in ClinVar:

NM_005188.4(CBL):c.565T>A (p.Phe189Ile)

Gene: CBL (Cbl proto-oncogene; plus strand). Cytogenetic location: 11q23.3.
Variant type: single nucleotide variant.
Coding change: c.565T>A on transcript NM_005188.4 (MANE Select); coding-DNA position 565, T replaced by A.
Protein change: p.Phe189Ile; replaces phenylalanine 189 with isoleucine.
Molecular consequence: missense variant.
Genome position (GRCh38, 1-based): chr11:119,271,856, T>A. VCF-style: chr11-119271856-T-A. GRCh37 (hg19) VCF-style: chr11-119142566-T-A.
Other names: short protein forms F189I.
Identifiers: ClinVar variation 4613840 (VCV004613840.1).
Genomic context (GRCh38, chr11:119,271,856, plus strand): 5'-TTTCCAAGTGGACTCTTTCAGGGAGACACATTTCGGATTACTAAAGCAGATGCTGCGGAA[T>A]TTTGGAGAAAAGCTTTTGGGGAAAAGTAAGTCTCAGAATAATGAATTTGAACTATGAAAA-3'
Protein context (NP_005179.2, residues 179-199): FRITKADAAE[Phe189Ile]WRKAFGEKTI

ClinVar aggregate classification (germline): Uncertain significance (1 of 4 stars; one submission).

Conditions:
Cardiovascular phenotype. Identifiers: MedGen CN230736.

Submission:

Ambry Genetics
Classification: Uncertain significance for Cardiovascular phenotype. Last evaluated: 2025-10-22. Review status: criteria provided, single submitter. Criteria: Ambry Variant Classification Scheme 2023. Collection method: clinical testing. Allele origin: germline.
Comment: The p.F189I variant (also known as c.565T>A), located in coding exon 3 of the CBL gene, results from a T to A substitution at nucleotide position 565. The phenylalanine at codon 189 is replaced by isoleucine, an amino acid with highly similar properties. This amino acid position is conserved. In addition, this alteration is predicted to be deleterious by in silico analysis. Based on the available evidence, the clinical significance of this variant remains unclear.